The following is an entry in ClinVar:

ClinVar aggregate classification (germline): Uncertain significance. Review status: criteria provided, multiple submitters, no conflicts (2 of 4 stars). 3 submissions from 3 submitters: Uncertain significance (3). Last evaluated 2025-04-17.

Conditions:
Hereditary cancer-predisposing syndrome. Also called: Tumor predisposition; Neoplastic Syndromes, Hereditary; Hereditary Cancer Syndrome; Hereditary neoplastic syndrome. Identifiers: Orphanet 140162, MedGen C0027672, MeSH D009386, MONDO:0015356.
Ataxia-telangiectasia syndrome (AT). Also called: Ataxia-telangiectasia; Ataxia-telangiectasia, complementation group D; AT, COMPLEMENTATION GROUP C; LOUIS-BAR SYNDROME; Cerebello-oculocutaneous telangiectasia; Immunodeficiency with ataxia telangiectasia. Identifiers: Orphanet 100, MedGen C0004135, MONDO:0008840, OMIM 208900.

gnomAD v4.1: 1 of 1,611,356 alleles (0.000062%); highest among the groups gnomAD compares: African/African-American, 0.0013%; no homozygotes.

Submissions (3):

Ambry Genetics
Classification: Uncertain significance for Hereditary cancer-predisposing syndrome. Last evaluated: 2025-04-17. Review status: criteria provided, single submitter. Criteria: Ambry Variant Classification Scheme 2023. Collection method: clinical testing. Allele origin: germline.
Comment: The p.A740P variant (also known as c.2218G>C), located in coding exon 13 of the ATM gene, results from a G to C substitution at nucleotide position 2218. The alanine at codon 740 is replaced by proline, an amino acid with highly similar properties. This amino acid position is conserved. In addition, the in silico prediction for this alteration is inconclusive. Based on the available evidence, the clinical significance of this variant remains unclear.

Color Diagnostics, LLC DBA Color Health
Classification: Uncertain significance for Hereditary cancer-predisposing syndrome. Last evaluated: 2024-05-14. Review status: criteria provided, single submitter. Criteria: ACMG Guidelines, 2015. Collection method: clinical testing. Allele origin: germline.
Comment: This missense variant replaces alanine with proline at codon 740 of the ATM protein. Computational prediction suggests that this variant may not impact protein structure and function. To our knowledge, functional studies have not been reported for this variant. This variant has not been reported in individuals affected with ATM-related disorders in the literature. This variant has not been identified in the general population by the Genome Aggregation Database (gnomAD). The available evidence is insufficient to determine the role of this variant in disease conclusively. Therefore, this variant is classified as a Variant of Uncertain Significance.

Labcorp Genetics (formerly Invitae), Labcorp
Classification: Uncertain significance for Ataxia-telangiectasia syndrome. Last evaluated: 2022-03-14. Review status: criteria provided, single submitter. Criteria: Invitae Variant Classification Sherloc (09022015). Collection method: clinical testing. Allele origin: germline.
Comment: In summary, the available evidence is currently insufficient to determine the role of this variant in disease. Therefore, it has been classified as a Variant of Uncertain Significance. Advanced modeling of protein sequence and biophysical properties (such as structural, functional, and spatial information, amino acid conservation, physicochemical variation, residue mobility, and thermodynamic stability) performed at Invitae indicates that this missense variant is not expected to disrupt ATM protein function. ClinVar contains an entry for this variant (Variation ID: 489524). This variant has not been reported in the literature in individuals affected with ATM-related conditions. This variant is not present in population databases (gnomAD no frequency). This sequence change replaces alanine, which is neutral and non-polar, with proline, which is neutral and non-polar, at codon 740 of the ATM protein (p.Ala740Pro).

NM_000051.4(ATM):c.2218G>C (p.Ala740Pro)

Gene: ATM (ATM serine/threonine kinase; plus strand). Cytogenetic location: 11q22.3.
Variant type: single nucleotide variant.
Coding change: c.2218G>C on transcript NM_000051.4 (MANE Select); coding-DNA position 2218, G replaced by C.
Protein change: p.Ala740Pro; replaces alanine 740 with proline.
Molecular consequence: missense variant.
Genome position (GRCh38, 1-based): chr11:108,256,308, G>C. VCF-style: chr11-108256308-G-C. GRCh37 (hg19) VCF-style: chr11-108127035-G-C.
Other names: c.2218G>C, p.Ala740Pro (NM_001351834.2); short protein forms A740P.
Identifiers: ClinVar variation 489524 (VCV000489524.9), dbSNP rs786201866, ClinGen allele CA382539104.